The following is an entry in ClinVar:

ClinVar aggregate classification (germline): Likely pathogenic. Review status: criteria provided, multiple submitters, no conflicts (2 of 4 stars). 3 submissions from 3 submitters: Likely pathogenic (3). Last evaluated 2024-06-01.

Conditions:
Warsaw breakage syndrome (WABS). Also called: DDX11-Related Cohesinopathy. Identifiers: Orphanet 280558, MedGen C3150658, MONDO:0013252, OMIM 613398.

gnomAD v4.1: 28 of 1,597,956 alleles (0.0018%); highest among the groups gnomAD compares: Non-Finnish European, 0.0023%; no homozygotes.

Submissions (3):

Fulgent Genetics
Classification: Likely pathogenic for Warsaw breakage syndrome. Last evaluated: 2024-06-01. Review status: criteria provided, single submitter. Criteria: ACMG Guidelines, 2015. Collection method: clinical testing. Allele origin: germline.

Laboratorio de Genetica e Diagnostico Molecular, Hospital Israelita Albert Einstein
Classification: Likely pathogenic for Warsaw breakage syndrome. Last evaluated: 2023-07-23. Review status: criteria provided, single submitter. Criteria: ACMG Guidelines, 2015. Collection method: clinical testing. Allele origin: germline. Affected: yes.
Comment: ACMG classification criteria: PVS1 very strong, PM2 supporting

Juno Genomics, Hangzhou Juno Genomics, Inc
Classification: Likely pathogenic for Warsaw breakage syndrome. Review status: criteria provided, single submitter. Criteria: ACMG Guidelines, 2015. Collection method: clinical testing. Allele origin: germline. Affected: yes.
Comment: Absent from controls (or at extremely low frequency if recessive) in Genome Aggregation Database.;Null variant in a gene where loss of function (LOF) is a known mechanism of disease.

NM_030653.4(DDX11):c.418C>T (p.Arg140Ter)

Gene: DDX11 (DEAD/H-box helicase 11; plus strand). Cytogenetic location: 12p11.21.
Variant type: single nucleotide variant.
Coding change: c.418C>T on transcript NM_030653.4 (MANE Select); coding-DNA position 418, C replaced by T.
Protein change: p.Arg140Ter; replaces arginine 140 with a stop codon.
Molecular consequence: nonsense. On other transcripts: 5 prime UTR variant (5), non-coding transcript variant (4), intron variant (1).
Genome position (GRCh38, 1-based): chr12:31,084,607, C>T. VCF-style: chr12-31084607-C-T. GRCh37 (hg19) VCF-style: chr12-31237541-C-T.
Other names: c.418C>T, p.Arg140Ter (NM_001257144.2, NM_001413692.1, NM_001413693.1 and 5 more transcripts); c.340C>T, p.Arg114Ter (NM_001257145.2, NM_001413697.1, NM_001413698.1 and 1 more transcripts); c.-111C>T (NM_001413702.1, NM_001413703.1); c.-643C>T (NM_001413704.1, NM_001413705.1); c.-461C>T (NM_001413706.1); c.394-362C>T (NM_001413700.1); short protein forms R114*, R140*.
Identifiers: ClinVar variation 3382659 (VCV003382659.5).
Genomic context (GRCh38, chr12:31,084,607, plus strand): 5'-TCCTTGGTGATTTTCCTTCATGTCTGCCTCCTGTAGGCGGAGCAGGCCAGGAGGAAGCAG[C>T]GAGAAGAACGCCTGCAGCAGCTGCAGCACAGGGTGCAGCTCAAGTATGCAGCCAAGCGCC-3'